The following is an entry in ClinVar:

NM_001034853.2(RPGR):c.1033A>G (p.Asn345Asp)

Gene: RPGR (retinitis pigmentosa GTPase regulator; minus strand). Cytogenetic location: Xp11.4.
Variant type: single nucleotide variant.
Coding change: c.1033A>G on transcript NM_001034853.2 (MANE Select); coding-DNA position 1033, A replaced by G.
Protein change: p.Asn345Asp; replaces asparagine 345 with aspartic acid.
Molecular consequence: missense variant. On other transcripts: non-coding transcript variant (6).
Genome position (GRCh38, 1-based): chrX:38,301,273, T>C on the plus strand (A>G on the coding strand, the complement: RPGR is on the minus strand). VCF-style: chrX-38301273-T-C. GRCh37 (hg19) VCF-style: chrX-38160526-T-C.
Other names: NM_001034853.2(RPGR):c.1033A>G; c.1033A>G, p.Asn345Asp (NM_000328.3, NM_001367246.1, NM_001367247.1 and 1 more transcripts); c.1030A>G, p.Asn344Asp (NM_001367245.1, NM_001367249.1, NM_001367250.1); c.1063A>G, p.Asn355Asp (NM_001367248.1); short protein forms N345D, N344D, N355D.
Identifiers: ClinVar variation 98725 (VCV000098725.21), dbSNP rs41305223, ClinGen allele CA226338.

ClinVar aggregate classification (germline): Benign. Review status: reviewed by expert panel (3 of 4 stars). 9 submissions from 9 submitters: Benign (1). 8 of the submissions do not count toward it. Last evaluated 2025-08-01.

Conditions:
RPGR-related retinopathy. Also called: RPGR retinopathy. Identifiers: MedGen CN305589, MONDO:0100437.
Primary ciliary dyskinesia. Also called: Ciliary dyskinesia. Identifiers: Orphanet 244, MedGen C0008780, MONDO:0016575, HP:0012265.

Allele frequency attached by ClinVar (database versions not stated): 1000 Genomes Project 30x 0.00333; 1000 Genomes Project 0.00344; TOPMed 0.00635; gnomAD exomes 0.00706 and 0.01046; gnomAD 0.00714 and 0.00731; ESP Exome Variant Server 0.00805; ExAC 0.00897.
gnomAD v4.1: 12,110 of 1,203,141 alleles (1%); highest among the groups gnomAD compares: Non-Finnish European, 1.2%; 51 homozygotes.

Submissions (9):

ClinGen X-linked Inherited Retinal Disease Variant Curation Expert Panel, ClinGen
Classification: Benign for RPGR-related retinopathy. Last evaluated: 2025-08-01. Review status: reviewed by expert panel. Criteria: ClinGen X LinkedIRD ACMG Specifications RPGR V1.0.0. Collection method: curation. Allele origin: germline. Inheritance: X-linked inheritance.
Comment: NM_001034853.2(RPGR):c.1033A>G (p.Asn345Asp) is a missense variant predicted to cause substitution of asparagine by aspartic acid at amino acid 345. This variant is present in gnomAD v4.1.0 at a frequency of 0.009588 among hemizygous individuals, with 3,751 variant alleles / 391,205 total hemizygous alleles, which is higher than the ClinGen X-linked IRD VCEP BA1 threshold of >0.00005 (BA1). The computational predictor REVEL gives a score of 0.241, which is below the ClinGen X-linked IRD VCEP threshold of <0.290 and predicts a non-damaging effect on RPGR function. Additionally, the splicing impact predictor SpliceAI gives a delta score of 0.01, which is below the ClinGen X-linked IRD VCEP recommended threshold of <0.1 and does not strongly predict an impact on splicing (BP4). In summary, this variant is classified as benign for RPGR-related retinopathy based on the ClinGen X-linked Inherited Retinal Disease Expert Panel Specifications to the ACMG/AMP Variant Interpretation Guidelines for RPGR Version 1.0.0; BA1 and BP4. (date of approval 05/16/2025).

Labcorp Genetics (formerly Invitae), Labcorp
Classification: Benign for Primary ciliary dyskinesia. Last evaluated: 2026-02-04. Review status: criteria provided, single submitter. Criteria: Invitae Variant Classification Sherloc (09022015). Collection method: clinical testing. Allele origin: germline. Not counted in ClinVar's aggregate classification.

Blueprint Genetics
Classification: Benign. Last evaluated: 2024-11-27. Review status: criteria provided, single submitter. Criteria: ACMG Guidelines, 2015. Collection method: clinical testing. Allele origin: germline. Not counted in ClinVar's aggregate classification.

Mayo Clinic Laboratories, Mayo Clinic
Classification: Benign. Last evaluated: 2023-06-21. Review status: criteria provided, single submitter. Criteria: ACMG Guidelines, 2015. Collection method: clinical testing. Allele origin: germline. Observed: 3 variant alleles. Not counted in ClinVar's aggregate classification.
Comment: BS1, BS2, BP2, BP4

GeneDx
Classification: Benign. Last evaluated: 2018-11-05. Review status: criteria provided, single submitter. Criteria: GeneDx Variant Classification Process June 2021. Collection method: clinical testing. Allele origin: germline. Affected: yes. Not counted in ClinVar's aggregate classification.
Comment: This variant is associated with the following publications: (PMID: 10937588, 11857109)

Ambry Genetics
Classification: Benign for Primary ciliary dyskinesia. Last evaluated: 2014-12-15. Review status: criteria provided, single submitter. Criteria: Ambry Variant Classification Scheme 2023. Collection method: clinical testing. Allele origin: germline. Not counted in ClinVar's aggregate classification.

Breakthrough Genomics
Classification: Benign. Review status: criteria provided, single submitter. Criteria: ACMG Guidelines, 2015. Collection method: not provided. Allele origin: germline. Inheritance: X-linked inheritance. Affected: yes. Not counted in ClinVar's aggregate classification.

PreventionGenetics, part of Exact Sciences
Classification: Benign. Review status: criteria provided, single submitter. Criteria: ACMG Guidelines, 2015. Collection method: clinical testing. Allele origin: germline. Not counted in ClinVar's aggregate classification.

Retina International
No classification provided. Review status: no classification provided. Collection method: not provided. Allele origin: not provided. Not counted in ClinVar's aggregate classification.

Literature cited by the submitters: PubMed 11857109 (cited by Mayo Clinic Laboratories, Mayo Clinic).